The following is an entry in ClinVar:

NM_001365480.1(CCDC88A):c.228G>T (p.Met76Ile)

Gene: CCDC88A (coiled-coil domain containing 88A; minus strand). Cytogenetic location: 2p16.1.
Variant type: single nucleotide variant.
Coding change: c.228G>T on transcript NM_001365480.1 (MANE Select); coding-DNA position 228, G replaced by T.
Protein change: p.Met76Ile; replaces methionine 76 with isoleucine.
Molecular consequence: missense variant.
Genome position (GRCh38, 1-based): chr2:55,388,823, C>A on the plus strand (G>T on the coding strand, the complement: CCDC88A is on the minus strand). VCF-style: chr2-55388823-C-A. GRCh37 (hg19) VCF-style: chr2-55615959-C-A.
Other names: c.228G>T, p.Met76Ile (NM_001135597.2, NM_001254943.2, NM_018084.5); c.228G>T (NM_001135597.1); short protein forms M76I.
Identifiers: ClinVar variation 1398001 (VCV001398001.4), dbSNP rs925841838, ClinGen allele CA47602741.
Genomic context (GRCh38, chr2:55,388,823, plus strand): 5'-AAAAAGAGCACTTACCTGGTAATAAAATTTTATCTGTCTCACCAAAATGGATAGATTGTG[C>A]ATTCTAAGTGAGGCATCATTATTGACTTTTTTATTTACTCTCTGACTCTCCAATTTAGGA-3'
Protein context (NP_001352409.1, residues 66-86): KKVNNDASLR[Met76Ile]HNLSILVRQI

ClinVar aggregate classification (germline): Conflicting classifications of pathogenicity. Review status: criteria provided, conflicting classifications (1 of 4 stars). 2 submissions from 2 submitters: Uncertain significance (1); Likely benign (1). Last evaluated 2023-09-21.

Allele frequency attached by ClinVar (database versions not stated): gnomAD exomes below 0.00001; gnomAD 0.00001; TOPMed 0.00002.
gnomAD v4.1: 38 of 1,540,920 alleles (0.0025%); highest among the groups gnomAD compares: Non-Finnish European, 0.0034%; no homozygotes.

Submissions (2):

Ambry Genetics
Classification: Likely benign. Last evaluated: 2023-09-21. Review status: criteria provided, single submitter. Criteria: Ambry Variant Classification Scheme 2023. Collection method: clinical testing. Allele origin: germline.

Labcorp Genetics (formerly Invitae), Labcorp
Classification: Uncertain significance. Last evaluated: 2021-10-25. Review status: criteria provided, single submitter. Criteria: Invitae Variant Classification Sherloc (09022015). Collection method: clinical testing. Allele origin: germline.
Comment: This sequence change replaces methionine with isoleucine at codon 76 of the CCDC88A protein (p.Met76Ile). The methionine residue is weakly conserved and there is a small physicochemical difference between methionine and isoleucine. This variant is not present in population databases (ExAC no frequency). This variant has not been reported in the literature in individuals affected with CCDC88A-related conditions. Algorithms developed to predict the effect of missense changes on protein structure and function output the following: SIFT: "Tolerated"; PolyPhen-2: "Benign"; Align-GVGD: "Class C0". The isoleucine amino acid residue is found in multiple mammalian species, which suggests that this missense change does not adversely affect protein function. In summary, the available evidence is currently insufficient to determine the role of this variant in disease. Therefore, it has been classified as a Variant of Uncertain Significance.